The following is an entry in ClinVar:

ClinVar aggregate classification (germline): Likely benign. Review status: criteria provided, single submitter (1 of 4 stars). 2 submissions from 2 submitters: Likely benign (1). 1 of the submissions does not count toward it. Last evaluated 2022-08-23.

Conditions:
Charcot-Marie-Tooth disease axonal type 2O. Also called: CHARCOT-MARIE-TOOTH NEUROPATHY, AXONAL, TYPE 2O; CHARCOT-MARIE-TOOTH DISEASE, AXONAL, AUTOSOMAL DOMINANT, TYPE 2O; Charcot-Marie-Tooth Neuropathy Type 2O; Charcot-Marie-Tooth disease, axonal, type 20. Identifiers: Orphanet 284232, MedGen C3280220, MONDO:0013644, OMIM 614228.
DYNC1H1-related disorder. Also called: DYNC1H1-related condition; DYNC1H1-related disorders. Identifiers: MedGen CN381529.

Allele frequency attached by ClinVar (database versions not stated): gnomAD exomes below 0.00001; TOPMed below 0.00001.

Submissions (2):

Labcorp Genetics (formerly Invitae), Labcorp
Classification: Likely benign for Charcot-Marie-Tooth disease axonal type 2O. Last evaluated: 2022-08-23. Review status: criteria provided, single submitter. Criteria: Invitae Variant Classification Sherloc (09022015). Collection method: clinical testing. Allele origin: germline.

PreventionGenetics, part of Exact Sciences
Classification: Likely benign for DYNC1H1-related condition. Last evaluated: 2024-09-14. Review status: no assertion criteria provided. Collection method: clinical testing. Allele origin: germline. Not counted in ClinVar's aggregate classification.
Comment: This variant is classified as likely benign based on ACMG/AMP sequence variant interpretation guidelines (Richards et al. 2015 PMID: 25741868, with internal and published modifications).

NM_001376.5(DYNC1H1):c.2043G>A (p.Lys681=)

Gene: DYNC1H1 (dynein cytoplasmic 1 heavy chain 1; plus strand). Cytogenetic location: 14q32.31.
Variant type: single nucleotide variant.
Coding change: c.2043G>A on transcript NM_001376.5 (MANE Select); coding-DNA position 2043, G replaced by A.
Protein change: p.Lys681=; no amino-acid change (lysine 681 retained).
Molecular consequence: synonymous variant.
Genome position (GRCh38, 1-based): chr14:101,986,268, G>A. VCF-style: chr14-101986268-G-A. GRCh37 (hg19) VCF-style: chr14-102452605-G-A.
Other names: c.2043G>A (NM_001376.4).
Identifiers: ClinVar variation 1085889 (VCV001085889.10), dbSNP rs1050408910, ClinGen allele CA266980772.